The following is an entry in ClinVar:

NM_001453.3(FOXC1):c.478_479insT (p.Asn160fs)

Gene: FOXC1 (forkhead box C1; plus strand). Cytogenetic location: 6p25.3.
Variant type: Insertion.
Coding change: c.478_479insT on transcript NM_001453.3 (MANE Select); coding-DNA positions 478 to 479, T inserted.
Protein change: p.Asn160fs; shifts the reading frame from asparagine 160.
Molecular consequence: frameshift variant.
Genome position: GRCh38 VCF-style: chr6-1610923-A-AT. GRCh37 (hg19) VCF-style: chr6-1611158-A-AT.
Other names: short protein forms N160fs.
Identifiers: ClinVar variation 4712744 (VCV004712744.1).

ClinVar aggregate classification (germline): Pathogenic (1 of 4 stars; one submission).

Conditions:
Axenfeld-Rieger syndrome type 3 (RIEG3). Also called: AXENFELD-RIEGER ANOMALY WITH CARDIAC DEFECTS AND/OR SENSORINEURAL HEARING LOSS. Identifiers: Orphanet 782, MedGen C2678503, MONDO:0011233, OMIM 602482.

Submission:

Labcorp Genetics (formerly Invitae), Labcorp
Classification: Pathogenic for Axenfeld-Rieger syndrome type 3. Last evaluated: 2025-02-10. Review status: criteria provided, single submitter. Criteria: Invitae Variant Classification Sherloc (09022015). Collection method: clinical testing. Allele origin: germline.
Comment: This sequence change creates a premature translational stop signal (p.Asn160Ilefs*146) in the FOXC1 gene. While this is not anticipated to result in nonsense mediated decay, it is expected to disrupt the last 394 amino acid(s) of the FOXC1 protein. This variant is not present in population databases (gnomAD no frequency). This variant has not been reported in the literature in individuals affected with FOXC1-related conditions. This variant disrupts a region of the FOXC1 protein in which other variant(s) (p.Phe162Val) have been determined to be pathogenic (internal data). This suggests that this is a clinically significant region of the protein, and that variants that disrupt it are likely to be disease-causing. For these reasons, this variant has been classified as Pathogenic.